The following is an entry in ClinVar:

NM_001378615.1(CC2D2A):c.2803C>T (p.Arg935Ter)

Genes: CC2D2A (coiled-coil and C2 domain containing 2A; plus strand), FBXL5 (F-box and leucine rich repeat protein 5; minus strand). Cytogenetic location: 4p15.32.
Variant type: single nucleotide variant.
Coding change: c.2803C>T on transcript NM_001378615.1 (MANE Select); coding-DNA position 2803, C replaced by T.
Protein change: p.Arg935Ter; replaces arginine 935 with a stop codon.
Molecular consequence: nonsense.
Genome position (GRCh38, 1-based): chr4:15,557,481, C>T. VCF-style: chr4-15557481-C-T. GRCh37 (hg19) VCF-style: chr4-15559104-C-T.
Other names: c.2803C>T, p.Arg935Ter (NM_001080522.2); c.2656C>T, p.Arg886Ter (NM_001378617.1); short protein forms R886*, R935*.
Identifiers: ClinVar variation 982521 (VCV000982521.14), dbSNP rs563610095, ClinGen allele CA2864005.

ClinVar aggregate classification (germline): Pathogenic. Review status: criteria provided, multiple submitters, no conflicts (2 of 4 stars). 6 submissions from 6 submitters: Pathogenic (6). Last evaluated 2025-12-14.

Conditions:
Joubert syndrome. Also called: JOUBERT-BOLTSHAUSER SYNDROME; Familial aplasia of the vermis. Identifiers: Orphanet 475, MedGen C5979921, MONDO:0018772.
Meckel-Gruber syndrome. Also called: Dysencephalia splachnocystica; DYSENCEPHALIA SPLANCHNOCYSTICA; GRUBER SYNDROME. Identifiers: Orphanet 564, MedGen C0265215, MONDO:0018921.
COACH syndrome 2. Identifiers: MedGen C5436837, MONDO:0030859, OMIM 619111.
Meckel syndrome, type 6. Identifiers: Orphanet 564, MedGen C2676790, MONDO:0012848, OMIM 612284.
Joubert syndrome 9 (JBTS9). Identifiers: Orphanet 2318, MedGen C2676788, MONDO:0012849, OMIM 612285.
Retinitis pigmentosa 93. Identifiers: MedGen C5676970, MONDO:0030797, OMIM 619845.
CC2D2A-related disorder. Also called: CC2D2A-related condition; CC2D2A-related disorders. Identifiers: MedGen CN239313.
Inborn genetic diseases. Identifiers: MedGen C0950123, MeSH D030342.
Joubert syndrome and related disorders. Identifiers: Orphanet 140874, MedGen C5679612, MONDO:0015369.

Allele frequency attached by ClinVar (database versions not stated): gnomAD exomes 0.00001; ExAC 0.00002; gnomAD 0.00003 and 0.00004; TOPMed 0.00003; 1000 Genomes Project 30x 0.00016; 1000 Genomes Project 0.00020.
gnomAD v4.1: 24 of 1,608,028 alleles (0.0015%); highest among the groups gnomAD compares: South Asian, 0.0089%; no homozygotes.

Submissions (6):

Labcorp Genetics (formerly Invitae), Labcorp
Classification: Pathogenic for Joubert syndrome; Meckel-Gruber syndrome. Last evaluated: 2025-12-14. Review status: criteria provided, single submitter. Criteria: Invitae Variant Classification Sherloc (09022015). Collection method: clinical testing. Allele origin: germline.
Comment: This sequence change creates a premature translational stop signal (p.Arg935*) in the CC2D2A gene. It is expected to result in an absent or disrupted protein product. Loss-of-function variants in CC2D2A are known to be pathogenic (PMID: 19777577). The frequency data for this variant in the population databases is considered unreliable, as metrics indicate poor data quality at this position in the gnomAD database. This premature translational stop signal has been observed in individual(s) with CC2D2A-related conditions (PMID: 26729329, 32165824). ClinVar contains an entry for this variant (Variation ID: 982521). For these reasons, this variant has been classified as Pathogenic.

Women's Health and Genetics/Laboratory Corporation of America, LabCorp
Classification: Pathogenic for CC2D2A-Related Disorders. Last evaluated: 2025-06-17. Review status: criteria provided, single submitter. Criteria: LabCorp Variant Classification Summary - May 2015. Collection method: clinical testing. Allele origin: germline.
Comment: Variant summary: CC2D2A c.2803C>T (p.Arg935X) results in a premature termination codon, predicted to cause a truncation of the encoded protein or absence of the protein due to nonsense mediated decay, which are commonly known mechanisms for disease. The variant allele was found at a frequency of 8.4e-06 in 238340 control chromosomes. c.2803C>T has been observed in individual(s) affected with CC2D2A-Related Disorders (e.g. Surl_2020). The following publication has been ascertained in the context of this evaluation (PMID: 32165824). ClinVar contains an entry for this variant (Variation ID: 982521). Based on the evidence outlined above, the variant was classified as pathogenic.

Myriad Genetics, Inc.
Classification: Pathogenic for Joubert syndrome and related disorders. Last evaluated: 2024-05-03. Review status: criteria provided, single submitter. Criteria: Myriad Autosomal Dominant, Autosomal Recessive and X-Linked Classification Criteria (2023). Collection method: clinical testing. Allele origin: unknown.
Comment: NM_001080522.2(CC2D2A):c.2803C>T(R935*) is expected to be pathogenic in the context of CC2D2A-related disorders. This variant is predicted to lead to an abnormal or absent protein product due to the creation of a premature termination codon in CC2D2A, a gene where loss-of-function variants are known to be pathogenic. Please note: this variant was assessed in the context of healthy population screening.

Fulgent Genetics
Classification: Pathogenic for Meckel syndrome, type 6; Joubert syndrome 9; COACH syndrome 2; Retinitis pigmentosa 93. Last evaluated: 2024-02-22. Review status: criteria provided, single submitter. Criteria: ACMG Guidelines, 2015. Collection method: clinical testing. Allele origin: germline.

Blueprint Genetics
Classification: Pathogenic for CC2D2A-related disorders. Last evaluated: 2024-01-16. Review status: criteria provided, single submitter. Criteria: ACMG Guidelines, 2015. Collection method: clinical testing. Allele origin: germline. Affected: yes. Observed: 2 variant alleles.

Ambry Genetics
Classification: Pathogenic for Inborn genetic diseases. Last evaluated: 2021-08-27. Review status: criteria provided, single submitter. Criteria: Ambry Variant Classification Scheme 2023. Collection method: clinical testing. Allele origin: germline.
Comment: The c.2803C>T (p.R935*) alteration, located in exon 22 (coding exon 20) of the CC2D2A gene, consists of a C to T substitution at nucleotide position 2803. This changes the amino acid from a arginine (R) to a stop codon at amino acid position 935. This alteration is expected to result in loss of function by premature protein truncation or nonsense-mediated mRNA decay. Based on data from gnomAD, the T allele has an overall frequency of <0.01% (3/269734) total alleles studied. The highest observed frequency was 0.01% (2/29504) of South Asian alleles. This alteration has been reported in the compound heterozygous state, with a second CC2D2A alteration, in an individual with features consistent with Leber congenital amaurosis (LCA) (Surl, 2020). It has also been reported in the compound heterozygous state in a cohort of patients with a clinical diagnosis of either Joubert syndrome or Meckel-Gruber syndrome (Watson, 2016). Based on the available evidence, this alteration is classified as pathogenic.

Literature cited by the submitters: PubMed 19777577 (cited by Labcorp Genetics (formerly Invitae), Labcorp); PubMed 26729329 (cited by Labcorp Genetics (formerly Invitae), Labcorp and Ambry Genetics); PubMed 32165824 (cited by 3 submitters).